The following is an entry in ClinVar:

NM_015512.5(DNAH1):c.6098A>G (p.Tyr2033Cys)

Gene: DNAH1 (dynein axonemal heavy chain 1; plus strand). Cytogenetic location: 3p21.1.
Variant type: single nucleotide variant.
Coding change: c.6098A>G on transcript NM_015512.5 (MANE Select); coding-DNA position 6098, A replaced by G.
Protein change: p.Tyr2033Cys; replaces tyrosine 2033 with cysteine.
Molecular consequence: missense variant.
Genome position (GRCh38, 1-based): chr3:52,369,979, A>G. VCF-style: chr3-52369979-A-G. GRCh37 (hg19) VCF-style: chr3-52403995-A-G.
Other names: short protein forms Y2033C.
Identifiers: ClinVar variation 2249003 (VCV002249003.4), dbSNP rs777744890, ClinGen allele CA2434412.

ClinVar aggregate classification (germline): Uncertain significance. Review status: criteria provided, multiple submitters, no conflicts (2 of 4 stars). 2 submissions from 2 submitters: Uncertain significance (2). Last evaluated 2023-11-13.

Conditions:
Spermatogenic failure 18. Identifiers: MedGen C4539783, MONDO:0054615, OMIM 617576.
Ciliary dyskinesia, primary, 37 (CILD37). Also called: CILIARY DYSKINESIA, PRIMARY, 37, WITH OR WITHOUT SITUS INVERSUS. Identifiers: MedGen C4539798, MONDO:0033204, OMIM 617577.

Allele frequency attached by ClinVar (database versions not stated): TOPMed 0.00001; ExAC 0.00004; gnomAD exomes 0.00001.
gnomAD v4.1: 14 of 1,613,840 alleles (0.00087%); highest among the groups gnomAD compares: Admixed American, 0.0017%; no homozygotes.

Submissions (2):

Labcorp Genetics (formerly Invitae), Labcorp
Classification: Uncertain significance for Ciliary dyskinesia, primary, 37; Spermatogenic failure 18. Last evaluated: 2023-11-13. Review status: criteria provided, single submitter. Criteria: Invitae Variant Classification Sherloc (09022015). Collection method: clinical testing. Allele origin: germline.
Comment: This sequence change replaces tyrosine, which is neutral and polar, with cysteine, which is neutral and slightly polar, at codon 2033 of the DNAH1 protein (p.Tyr2033Cys). This variant is present in population databases (rs777744890, gnomAD 0.006%). This variant has not been reported in the literature in individuals affected with DNAH1-related conditions. ClinVar contains an entry for this variant (Variation ID: 2249003). Advanced modeling of protein sequence and biophysical properties (such as structural, functional, and spatial information, amino acid conservation, physicochemical variation, residue mobility, and thermodynamic stability) performed at Invitae indicates that this missense variant is expected to disrupt DNAH1 protein function with a positive predictive value of 80%. In summary, the available evidence is currently insufficient to determine the role of this variant in disease. Therefore, it has been classified as a Variant of Uncertain Significance.

Ambry Genetics
Classification: Uncertain significance. Last evaluated: 2021-09-14. Review status: criteria provided, single submitter. Criteria: Ambry Variant Classification Scheme 2023. Collection method: clinical testing. Allele origin: germline.